The following is an entry in ClinVar:

ClinVar aggregate classification (germline): Pathogenic. Review status: criteria provided, multiple submitters, no conflicts (2 of 4 stars). 2 submissions from 2 submitters: Pathogenic (2). Last evaluated 2020-05-15.

Conditions:
Familial cancer of breast. Also called: Hereditary breast cancer; hereditary breast carcinoma; BREAST CANCER, FAMILIAL. Identifiers: Orphanet 227535, MedGen C0346153, MONDO:0016419, OMIM 114480. Disease mechanism: loss of function.

Submissions (2):

Genetics and Molecular Pathology, SA Pathology
Classification: Pathogenic for Familial cancer of breast. Last evaluated: 2020-05-15. Review status: criteria provided, single submitter. Criteria: ACMG Guidelines, 2015. Collection method: clinical testing. Allele origin: germline. Affected: yes.

Labcorp Genetics (formerly Invitae), Labcorp
Classification: Pathogenic for Familial cancer of breast. Last evaluated: 2020-02-05. Review status: criteria provided, single submitter. Criteria: Invitae Variant Classification Sherloc (09022015). Collection method: clinical testing. Allele origin: germline.
Comment: For these reasons, this variant has been classified as Pathogenic. This variant disrupts the C-terminus of the PALB2 protein. Other variant(s) that disrupt this region (c.3549C>A, p.Tyr1183*) have been determined to be pathogenic (PMID: 17200671, 20927582, 21165770, 21365267, 26283626). This suggests that variants that disrupt this region of the protein are likely to be causative of disease. This variant has not been reported in the literature in individuals with PALB2-related conditions. This variant is not present in population databases (ExAC no frequency). This sequence change results in a premature translational stop signal in the PALB2 gene (p.Thr1099Argfs*7). While this is not anticipated to result in nonsense mediated decay, it is expected to disrupt the last 88 amino acids of the PALB2 protein.

Literature cited by the submitters: PubMed 17200671 (cited by Labcorp Genetics (formerly Invitae), Labcorp); PubMed 20927582 (cited by Labcorp Genetics (formerly Invitae), Labcorp); PubMed 21165770 (cited by Labcorp Genetics (formerly Invitae), Labcorp); PubMed 21365267 (cited by Labcorp Genetics (formerly Invitae), Labcorp); PubMed 26283626 (cited by Labcorp Genetics (formerly Invitae), Labcorp).

NM_024675.4(PALB2):c.3296del (p.Thr1099fs)

Gene: PALB2 (partner and localizer of BRCA2; minus strand). Cytogenetic location: 16p12.2.
Variant type: Deletion.
Coding change: c.3296del on transcript NM_024675.4 (MANE Select); coding-DNA position 3296, one base deleted (C; older notation c.3296delC).
Protein change: p.Thr1099fs; shifts the reading frame from threonine 1099.
Molecular consequence: frameshift variant.
Genome position (GRCh38, 1-based): chr16:23,607,918, G deleted on the plus strand (C on the coding strand, the reverse complement: PALB2 is on the minus strand). VCF-style (leftmost placement, unchanged base first): chr16-23607917-CG-C. GRCh37 (hg19) VCF-style: chr16-23619238-CG-C.
Other names: c.3296delC (NM_024675.3); short protein forms T1099fs.
Identifiers: ClinVar variation 950529 (VCV000950529.12), dbSNP rs1966508003, ClinGen allele CA916084363.